The following is an entry in ClinVar:

ClinVar aggregate classification (germline): Likely benign (1 of 4 stars; one submission).

Allele frequency attached by ClinVar (database versions not stated): gnomAD exomes below 0.00001.
gnomAD v4.1: 1 of 1,596,448 alleles (0.000063%); highest among the groups gnomAD compares: African/African-American, 0.0013%; no homozygotes.

Submission:

GeneDx
Classification: Likely benign. Last evaluated: 2016-08-03. Review status: criteria provided, single submitter. Criteria: GeneDx Variant Classification (06012015). Collection method: clinical testing. Allele origin: germline. Affected: yes.
Comment: This variant is considered likely benign or benign based on one or more of the following criteria: it is a conservative change, it occurs at a poorly conserved position in the protein, it is predicted to be benign by multiple in silico algorithms, and/or has population frequency not consistent with disease.

NM_000387.6(SLC25A20):c.105+7G>T

Gene: SLC25A20 (solute carrier family 25 member 20; minus strand). Cytogenetic location: 3p21.31.
Variant type: single nucleotide variant.
Coding change: c.105+7G>T on transcript NM_000387.6 (MANE Select); 7 bases into the intron after coding-DNA position 105, G replaced by T.
Molecular consequence: intron variant.
Genome position (GRCh38, 1-based): chr3:48,898,683, C>A on the plus strand (G>T on the coding strand, the complement: SLC25A20 is on the minus strand). VCF-style: chr3-48898683-C-A. GRCh37 (hg19) VCF-style: chr3-48936116-C-A.
Identifiers: ClinVar variation 387988 (VCV000387988.1), dbSNP rs1057522972, ClinGen allele CA16604954.